The following is an entry in ClinVar:

NM_001375524.1(TRRAP):c.11085C>A (p.Phe3695Leu)

Gene: TRRAP (transformation/transcription domain associated protein; plus strand). Cytogenetic location: 7q22.1.
Variant type: single nucleotide variant.
Coding change: c.11085C>A on transcript NM_001375524.1 (MANE Select); coding-DNA position 11085, C replaced by A.
Protein change: p.Phe3695Leu; replaces phenylalanine 3695 with leucine.
Molecular consequence: missense variant.
Genome position (GRCh38, 1-based): chr7:99,011,198, C>A. VCF-style: chr7-99011198-C-A. GRCh37 (hg19) VCF-style: chr7-98608821-C-A.
Other names: c.11043C>A, p.Phe3681Leu (NM_001244580.2); c.10956C>A, p.Phe3652Leu (NM_003496.4); short protein forms F3652L, F3681L, F3695L.
Identifiers: ClinVar variation 1806137 (VCV001806137.1), dbSNP rs776012226, ClinGen allele CA368342668.
Genomic context (GRCh38, chr7:99,011,198, plus strand): 5'-TGCCACGGACTACTGGACGTTCCGGAAGATGTTCACCATCCAGCTGGCTCTGATAGGCTT[C>A]GCGGAATTCGTCCTGCATTTAAATAGACTCAACCCCGAGATGTTACAGATCGCTCAGGTA-3'
Protein context (NP_001362453.1, residues 3685-3705): MFTIQLALIG[Phe3695Leu]AEFVLHLNRL

ClinVar aggregate classification (germline): Uncertain significance (1 of 4 stars; one submission).

Conditions:
Developmental delay with or without dysmorphic facies and autism. Identifiers: MedGen C5193106, MONDO:0032760, OMIM 618454.

gnomAD v4.1: 2 of 1,614,154 alleles (0.00012%); highest among the groups gnomAD compares: Non-Finnish European, 0.00017%; no homozygotes.

Submission:

Victorian Clinical Genetics Services, Murdoch Childrens Research Institute
Classification: Uncertain significance for Developmental delay with or without dysmorphic facies and autism. Last evaluated: 2020-10-19. Review status: criteria provided, single submitter. Criteria: ACMG Guidelines, 2015. Collection method: clinical testing. Allele origin: germline. Inheritance: Autosomal dominant inheritance.
Comment: Based on the classification scheme VCGS_Germline_v1.3.3, this variant is classified as 3C-VUS. Following criteria are met: 0105 - The mechanism of disease for this gene is not clearly established. (I) 0107 - This gene is associated with autosomal dominant disease. (I) 0200 - Variant is predicted to result in a missense amino acid change from phenylalanine to leucine. (I) 0251 - This variant is heterozygous. (I) 0301 - Variant is absent from gnomAD (both v2 and v3). (SP) 0503 - Missense variant consistently predicted to be tolerated by multiple in silico tools or not conserved in placental mammals with a minor amino acid change. (SB) 0600 - Variant is located in the annotated phosphatidylinositol 3- and 4-kinase domain (PDB). (I) 0705 - No comparable missense variants have previous evidence for pathogenicity. (I) 0807 - This variant has no previous evidence of pathogenicity. (I) 0905 - No published segregation evidence has been identified for this variant. (I) 1007 - No published functional evidence has been identified for this variant. (I) 1208 - Inheritance information for this variant is not currently available in this individual. (I) Legend: (SP) - Supporting pathogenic, (I) - Information, (SB) - Supporting benign